The following is an entry in ClinVar:

ClinVar aggregate classification (germline): Uncertain significance (1 of 4 stars; one submission).

Conditions:
Cardiovascular phenotype. Identifiers: MedGen CN230736.

Submission:

Ambry Genetics
Classification: Uncertain significance for Cardiovascular phenotype. Last evaluated: 2023-12-14. Review status: criteria provided, single submitter. Criteria: Ambry Variant Classification Scheme 2023. Collection method: clinical testing. Allele origin: germline.
Comment: The c.333-3delT intronic variant, located in intron 3 of the PTPN11 gene, results from a deletion of one nucleotide within intron 3 of the PTPN11 gene. This nucleotide position is not well conserved in available vertebrate species. In silico splice site analysis predicts that this alteration will not have any significant effect on splicing. Since supporting evidence is limited at this time, the clinical significance of this alteration remains unclear.

NM_002834.5(PTPN11):c.333-3del

Gene: PTPN11 (protein tyrosine phosphatase non-receptor type 11; plus strand). Cytogenetic location: 12q24.13.
Variant type: Deletion.
Coding change: c.333-3del on transcript NM_002834.5 (MANE Select); 3 bases into the intron before coding-DNA position 333, one base deleted (T; older notation c.333-3delT).
Molecular consequence: intron variant.
Genome position (GRCh38, 1-based): chr12:112,453,192, T deleted; the last of 3 consecutive T bases (chr12:112,453,190-112,453,192); deleting any one gives the same sequence. VCF-style (leftmost placement, unchanged base first): chr12-112453189-CT-C. GRCh37 (hg19) VCF-style: chr12-112890993-CT-C.
Other names: c.333-3del (NM_001330437.2, NM_080601.3); c.330-3del (NM_001374625.1).
Identifiers: ClinVar variation 3222834 (VCV003222834.1), dbSNP rs752342737, ClinGen allele CA6798545.